The following is an entry in ClinVar:

ClinVar aggregate classification (germline): Conflicting classifications of pathogenicity. Review status: criteria provided, conflicting classifications (1 of 4 stars). 5 submissions from 5 submitters: Uncertain significance (1); Likely benign (4). Last evaluated 2025-12-23.

Conditions:
Hereditary cancer-predisposing syndrome. Also called: Hereditary neoplastic syndrome; Tumor predisposition; Hereditary Cancer Syndrome; Neoplastic Syndromes, Hereditary. Identifiers: Orphanet 140162, MedGen C0027672, MeSH D009386, MONDO:0015356.
Familial cancer of breast. Also called: hereditary breast carcinoma; Hereditary breast cancer; BREAST CANCER, FAMILIAL. Identifiers: Orphanet 227535, MedGen C0346153, MONDO:0016419, OMIM 114480. Disease mechanism: loss of function.

Allele frequency attached by ClinVar (database versions not stated): gnomAD 0.00001; gnomAD exomes 0.00001; ExAC 0.00002; TOPMed 0.00004.
gnomAD v4.1: 4 of 1,588,038 alleles (0.00025%); highest among the groups gnomAD compares: African/African-American, 0.0041%; no homozygotes.

Submissions (5):

Labcorp Genetics (formerly Invitae), Labcorp
Classification: Likely benign for Familial cancer of breast. Last evaluated: 2025-12-23. Review status: criteria provided, single submitter. Criteria: Invitae Variant Classification Sherloc (09022015). Collection method: clinical testing. Allele origin: germline.

Quest Diagnostics Nichols Institute San Juan Capistrano
Classification: Uncertain significance. Last evaluated: 2025-09-05. Review status: criteria provided, single submitter. Criteria: Quest Diagnostics criteria. Collection method: clinical testing. Allele origin: unknown.
Comment: The BARD1 c.684A>G (p.Glu228=) synonymous variant has not been reported in individuals with BARD1-related conditions in the published literature. The frequency of this variant in the general population (Genome Aggregation Database) is uninformative in the assessment of its pathogenicity. Analysis of this variant using software algorithms for the prediction of the effect of nucleotide changes on BARD1 mRNA splicing yielded predictions that this variant may result in the gain of a cryptic splice site without affecting the natural splice sites. Based on the available information, we are unable to determine the clinical significance of this variant.

Myriad Genetics, Inc.
Classification: Likely benign for Familial cancer of breast. Last evaluated: 2023-04-03. Review status: criteria provided, single submitter. Criteria: Myriad Autosomal Dominant, Autosomal Recessive and X-Linked Classification Criteria (2023). Collection method: clinical testing. Allele origin: unknown.
Comment: This variant is considered likely benign. This variant is strongly associated with less severe personal and family histories of cancer, typical for individuals without pathogenic variants in this gene [PMID: 25085752].

Ambry Genetics
Classification: Likely benign for Hereditary cancer-predisposing syndrome. Last evaluated: 2022-12-29. Review status: criteria provided, single submitter. Criteria: Ambry Variant Classification Scheme 2023. Collection method: clinical testing. Allele origin: germline.

Color Diagnostics, LLC DBA Color Health
Classification: Likely benign for Hereditary cancer-predisposing syndrome. Last evaluated: 2018-12-04. Review status: criteria provided, single submitter. Criteria: ACMG Guidelines, 2015. Collection method: clinical testing. Allele origin: germline.

Literature cited by the submitters: PubMed 25085752 (cited by Myriad Genetics, Inc.).

NM_000465.4(BARD1):c.684A>G (p.Glu228=)

Gene: BARD1 (BRCA1 associated RING domain 1; minus strand). Cytogenetic location: 2q35.
Variant type: single nucleotide variant.
Coding change: c.684A>G on transcript NM_000465.4 (MANE Select); coding-DNA position 684, A replaced by G.
Protein change: p.Glu228=; no amino-acid change (glutamic acid 228 retained).
Molecular consequence: synonymous variant. On other transcripts: non-coding transcript variant (2), intron variant (3).
Genome position (GRCh38, 1-based): chr2:214,781,190, T>C on the plus strand (A>G on the coding strand, the complement: BARD1 is on the minus strand). VCF-style: chr2-214781190-T-C. GRCh37 (hg19) VCF-style: chr2-215645914-T-C.
Other names: c.627A>G, p.Glu209= (NM_001282543.2); c.158+28222A>G (NM_001282548.2); c.215+15871A>G (NM_001282545.2); c.364+11107A>G (NM_001282549.2).
Identifiers: ClinVar variation 219583 (VCV000219583.35), dbSNP rs780627045, ClinGen allele CA350659.